The following is an entry in ClinVar:

ClinVar aggregate classification (germline): Likely pathogenic (1 of 4 stars; one submission).

Conditions:
Cone-rod dystrophy 3 (CORD3). Identifiers: Orphanet 1872, MedGen C1858806, MONDO:0011395, OMIM 604116.

gnomAD v4.1: 1 of 1,614,172 alleles (0.000062%); highest among the groups gnomAD compares: Non-Finnish European, 0.000085%; no homozygotes.

Submission:

OLLIN Analises Genomicas, OLLIN
Classification: Likely pathogenic for Cone-rod dystrophy 3. Last evaluated: 2026-08-06. Review status: criteria provided, single submitter. Criteria: ACMG Guidelines 2015 PMID 25741868. Collection method: clinical testing. Allele origin: germline. Inheritance: Autosomal recessive inheritance.
Comment: This missense variant, located in exon 12 (of 50), has been observed in gnomAD with an allele frequency of 0.000062%, but has not been reported in ClinVar or identified in the literature. In silico analysis predicts that this variant has a deleterious effect. Another pathogenic variant affecting the same amino acid residue has been reported. This gene is constrained for missense variation. According to the currently available evidence, this variant has been classified as likely pathogenic (PM2_P, PM5, PP2, PP3_M).

NM_000350.3(ABCA4):c.1613C>T (p.Ala538Val)

Gene: ABCA4 (ATP binding cassette subfamily A member 4; minus strand). Cytogenetic location: 1p22.1.
Variant type: single nucleotide variant.
Coding change: c.1613C>T on transcript NM_000350.3 (MANE Select); coding-DNA position 1613, C replaced by T.
Protein change: p.Ala538Val; replaces alanine 538 with valine.
Molecular consequence: missense variant.
Genome position (GRCh38, 1-based): chr1:94,063,259, G>A on the plus strand (C>T on the coding strand, the complement: ABCA4 is on the minus strand). VCF-style: chr1-94063259-G-A. GRCh37 (hg19) VCF-style: chr1-94528815-G-A.
Other names: c.1613C>T, p.Ala538Val (NM_001425324.1); short protein forms A538V.
Identifiers: ClinVar variation 5002695 (VCV005002695.1).